The following is an entry in ClinVar:

NM_000168.6(GLI3):c.2409G>A (p.Ala803=)

Gene: GLI3 (GLI family zinc finger 3; minus strand). Cytogenetic location: 7p14.1.
Variant type: single nucleotide variant.
Coding change: c.2409G>A on transcript NM_000168.6 (MANE Select); coding-DNA position 2409, G replaced by A.
Protein change: p.Ala803=; no amino-acid change (alanine 803 retained).
Molecular consequence: synonymous variant.
Genome position (GRCh38, 1-based): chr7:41,967,618, C>T on the plus strand (G>A on the coding strand, the complement: GLI3 is on the minus strand). VCF-style: chr7-41967618-C-T. GRCh37 (hg19) VCF-style: chr7-42007216-C-T.
Other names: c.2409G>A (NM_000168.5).
Identifiers: ClinVar variation 1676060 (VCV001676060.38), dbSNP rs138416748, ClinGen allele CA4230624.

ClinVar aggregate classification (germline): Likely benign. Review status: criteria provided, multiple submitters, no conflicts (2 of 4 stars). 4 submissions from 4 submitters: Likely benign (4). Last evaluated 2025-11-10.

Conditions:
Pallister-Hall syndrome (PHS). Also called: GLI3-Related Pallister-Hall Syndrome; HYPOTHALAMIC HAMARTOBLASTOMA, HYPOPITUITARISM, IMPERFORATE ANUS, AND POSTAXIAL POLYDACTYLY. Identifiers: Orphanet 672, MedGen C0265220, MONDO:0007804, OMIM 146510.
Greig cephalopolysyndactyly syndrome (GCPS). Also called: POLYSYNDACTYLY WITH PECULIAR SKULL SHAPE; Greig syndrome; GLI3-Related Greig Cephalopolysyndactyly Syndrome. Identifiers: Orphanet 380, MedGen C0265306, MONDO:0008287, OMIM 175700.
GLI3-related disorder. Also called: GLI3-related condition; GLI3-related disorders. Identifiers: MedGen CN239292.

Allele frequency attached by ClinVar (database versions not stated): gnomAD 0.00002 and 0.00003; ExAC 0.00007; ESP Exome Variant Server 0.00015.
gnomAD v4.1: 68 of 1,613,230 alleles (0.0042%); highest among the groups gnomAD compares: Middle Eastern, 0.017%; no homozygotes.

Submissions (4):

PreventionGenetics, part of Exact Sciences
Classification: Likely benign for GLI3-related condition. Last evaluated: 2025-11-10. Review status: criteria provided, single submitter. Criteria: ACMG Guidelines, 2015. Collection method: clinical testing. Allele origin: germline.
Comment: This variant is classified as likely benign based on ACMG/AMP sequence variant interpretation guidelines (Richards et al. 2015 PMID: 25741868, with internal and published modifications).

Blueprint Genetics
Classification: Likely benign. Last evaluated: 2023-08-29. Review status: criteria provided, single submitter. Criteria: ACMG Guidelines, 2015. Collection method: clinical testing. Allele origin: germline.

Labcorp Genetics (formerly Invitae), Labcorp
Classification: Likely benign for Pallister-Hall syndrome; Greig cephalopolysyndactyly syndrome. Last evaluated: 2023-07-29. Review status: criteria provided, single submitter. Criteria: Invitae Variant Classification Sherloc (09022015). Collection method: clinical testing. Allele origin: germline.

CeGaT Center for Human Genetics Tuebingen
Classification: Likely benign. Last evaluated: 2022-07-01. Review status: criteria provided, single submitter. Criteria: CeGaT Center For Human Genetics Tuebingen Variant Classification Criteria Version 2. Collection method: clinical testing. Allele origin: germline. Affected: yes. Observed: 2 variant alleles.
Comment: GLI3: BP4, BP7